The following is an entry in ClinVar:

NM_020779.4(WDR35):c.2681C>T (p.Ala894Val)

Gene: WDR35 (WD repeat domain 35; minus strand). Cytogenetic location: 2p24.1.
Variant type: single nucleotide variant.
Coding change: c.2681C>T on transcript NM_020779.4 (MANE Select); coding-DNA position 2681, C replaced by T.
Protein change: p.Ala894Val; replaces alanine 894 with valine.
Molecular consequence: missense variant.
Genome position (GRCh38, 1-based): chr2:19,932,425, G>A on the plus strand (C>T on the coding strand, the complement: WDR35 is on the minus strand). VCF-style: chr2-19932425-G-A. GRCh37 (hg19) VCF-style: chr2-20132186-G-A.
Other names: c.2714C>T, p.Ala905Val (NM_001006657.2); short protein forms A905V, A894V.
Identifiers: ClinVar variation 846226 (VCV000846226.9), dbSNP rs1670554390, ClinGen allele CA345942423.

ClinVar aggregate classification (germline): Uncertain significance (1 of 4 stars; one submission).

Conditions:
Cranioectodermal dysplasia 2 (CED2). Identifiers: Orphanet 1515, MedGen C3150874, MONDO:0013323, OMIM 613610.
Short-rib thoracic dysplasia 7 with or without polydactyly (SRTD7). Also called: Short rib polydactyly syndrome 5; SHORT-RIB THORACIC DYSPLASIA 7 WITH POLYDACTYLY. Identifiers: Orphanet 498497, Orphanet 93271, MedGen C3279792, MONDO:0013569, OMIM 614091.

Submission:

Labcorp Genetics (formerly Invitae), Labcorp
Classification: Uncertain significance for Cranioectodermal dysplasia 2; Short-rib thoracic dysplasia 7 with or without polydactyly. Last evaluated: 2019-11-30. Review status: criteria provided, single submitter. Criteria: Invitae Variant Classification Sherloc (09022015). Collection method: clinical testing. Allele origin: germline.
Comment: This sequence change replaces alanine with valine at codon 905 of the WDR35 protein (p.Ala905Val). The alanine residue is highly conserved and there is a small physicochemical difference between alanine and valine. This variant is not present in population databases (ExAC no frequency). This variant has not been reported in the literature in individuals with WDR35-related conditions. Algorithms developed to predict the effect of missense changes on protein structure and function are either unavailable or do not agree on the potential impact of this missense change (SIFT: "Deleterious"; PolyPhen-2: "Probably Damaging"; Align-GVGD: "Class C0"). In summary, the available evidence is currently insufficient to determine the role of this variant in disease. Therefore, it has been classified as a Variant of Uncertain Significance.